The following is an entry in ClinVar:

ClinVar aggregate classification (germline): Uncertain significance (1 of 4 stars; one submission).

Conditions:
AFF4-related disorder. Also called: AFF4-related condition.

gnomAD v4.1: 1 of 1,614,164 alleles (0.000062%); highest among the groups gnomAD compares: South Asian, 0.0011%; no homozygotes.

Submission:

PreventionGenetics, part of Exact Sciences
Classification: Uncertain significance for AFF4-related condition. Last evaluated: 2025-09-10. Review status: criteria provided, single submitter. Criteria: ACMG Guidelines, 2015. Collection method: clinical testing. Allele origin: germline.
Comment: The AFF4 c.2188C>T variant is predicted to result in the amino acid substitution p.Pro730Ser. To our knowledge, this variant has not been reported in the literature or in a large population database (gnomAD), indicating this variant is rare. At this time, the clinical significance of this variant is uncertain due to the absence of conclusive functional and genetic evidence.

NM_014423.4(AFF4):c.2188C>T (p.Pro730Ser)

Gene: AFF4 (ALF transcription elongation factor 4; minus strand). Cytogenetic location: 5q31.1.
Variant type: single nucleotide variant.
Coding change: c.2188C>T on transcript NM_014423.4 (MANE Select); coding-DNA position 2188, C replaced by T.
Protein change: p.Pro730Ser; replaces proline 730 with serine.
Molecular consequence: missense variant.
Genome position (GRCh38, 1-based): chr5:132,896,442, G>A on the plus strand (C>T on the coding strand, the complement: AFF4 is on the minus strand). VCF-style: chr5-132896442-G-A. GRCh37 (hg19) VCF-style: chr5-132232134-G-A.
Other names: short protein forms P730S.
Identifiers: ClinVar variation 4994059 (VCV004994059.1).